The following is an entry in ClinVar:

NM_015662.3(IFT172):c.4147G>A (p.Glu1383Lys)

Gene: IFT172 (intraflagellar transport 172; minus strand). Cytogenetic location: 2p23.3.
Variant type: single nucleotide variant.
Coding change: c.4147G>A on transcript NM_015662.3 (MANE Select); coding-DNA position 4147, G replaced by A.
Protein change: p.Glu1383Lys; replaces glutamic acid 1383 with lysine.
Molecular consequence: missense variant.
Genome position (GRCh38, 1-based): chr2:27,449,704, C>T on the plus strand (G>A on the coding strand, the complement: IFT172 is on the minus strand). VCF-style: chr2-27449704-C-T. GRCh37 (hg19) VCF-style: chr2-27672571-C-T.
Other names: c.4147G>A (NM_015662.1); short protein forms E1383K.
Identifiers: ClinVar variation 542658 (VCV000542658.15), dbSNP rs147668131, ClinGen allele CA1579711.
Genomic context (GRCh38, chr2:27,449,704, plus strand): 5'-AAGGAAGTAAAAGAGAATTTCGCAGTAAGAAGGGGTTACAAGCTTACCTGGGATCTAACT[C>T]CTTAGCTACACGCTTCGCCTTGTTCCACTCCTCACCCTCGATGAAAGCATCGATTGCTTC-3'
Protein context (NP_056477.1, residues 1373-1393): EWNKAKRVAK[Glu1383Lys]LDPRYEDYVD

ClinVar aggregate classification (germline): Conflicting classifications of pathogenicity. Review status: criteria provided, conflicting classifications (1 of 4 stars). 7 submissions from 7 submitters: Uncertain significance (5); Likely benign (1). 1 of the submissions does not count toward it. Last evaluated 2025-10-18.

Conditions:
Short-rib thoracic dysplasia 10 with or without polydactyly (SRTD10). Identifiers: Orphanet 474, MedGen C3810175, MONDO:0014284, OMIM 615630.
Bardet-Biedl syndrome 20. Identifiers: MedGen C4310707, MONDO:0023670, OMIM 619471, MONDO:0014926.
Retinitis pigmentosa 71 (RP71). Identifiers: Orphanet 791, MedGen C4225342, MONDO:0014618, OMIM 616394.
Inborn genetic diseases. Identifiers: MedGen C0950123, MeSH D030342.
IFT172-related disorder. Also called: IFT172-related condition; IFT172-related disorders.

Allele frequency attached by ClinVar (database versions not stated): ESP Exome Variant Server 0.00008; ExAC 0.00012; 1000 Genomes Project 30x 0.00016; gnomAD 0.00018 and 0.00019; 1000 Genomes Project 0.00020; TOPMed 0.00021; gnomAD exomes 0.00022.
gnomAD v4.1: 210 of 1,613,336 alleles (0.013%); highest among the groups gnomAD compares: Admixed American, 0.09%; no homozygotes.

Submissions (7):

GeneDx
Classification: Uncertain significance. Last evaluated: 2025-10-18. Review status: criteria provided, single submitter. Criteria: GeneDx Variant Classification Process June 2021. Collection method: clinical testing. Allele origin: germline. Affected: yes.
Comment: In silico analysis supports that this missense variant has a deleterious effect on protein structure/function; Has not been previously published as pathogenic or benign to our knowledge

Institute of Human Genetics, University of Goettingen
Classification: Uncertain significance for Bardet-Biedl syndrome 20; Retinitis pigmentosa 71; Short-rib thoracic dysplasia 10 with or without polydactyly. Last evaluated: 2025-06-26. Review status: criteria provided, single submitter. Criteria: ACMG Guidelines, 2015. Collection method: clinical testing. Allele origin: germline. Inheritance: Autosomal recessive inheritance.
Comment: The NM_015662.3(IFT172):​c.4147G>A​(p.Glu1383Lys) variant causes a missense change. The variant allele was found at a frequency of 0.00013 in 1,613,336 control chromosomes in the GnomAD database, with no homozygous occurrence. Another variant affecting the same amino acid position, but resulting in a different missense (i.e. E1383G) has been classified as Uncertain significance. ACMG criteria: PM2_sup

Ambry Genetics
Classification: Uncertain significance for Inborn genetic diseases. Last evaluated: 2025-04-24. Review status: criteria provided, single submitter. Criteria: Ambry Variant Classification Scheme 2023. Collection method: clinical testing. Allele origin: germline.

Women's Health and Genetics/Laboratory Corporation of America, LabCorp
Classification: Uncertain significance. Last evaluated: 2024-11-25. Review status: criteria provided, single submitter. Criteria: LabCorp Variant Classification Summary - May 2015. Collection method: clinical testing. Allele origin: germline.
Comment: Variant summary: IFT172 c.4147G>A (p.Glu1383Lys) results in a conservative amino acid change in the encoded protein sequence. Three of five in-silico tools predict a damaging effect of the variant on protein function. The variant allele was found at a frequency of 0.00022 in 250868 control chromosomes. This frequency is not significantly higher than estimated for a pathogenic variant in IFT172 causing IFT172-Related Disorders, allowing no conclusion about variant significance. To our knowledge, no occurrence of c.4147G>A in individuals affected with IFT172-Related Disorders and no experimental evidence demonstrating its impact on protein function have been reported. ClinVar contains an entry for this variant (Variation ID: 542658). Based on the evidence outlined above, the variant was classified as uncertain significance.

Blueprint Genetics
Classification: Likely benign. Last evaluated: 2024-09-13. Review status: criteria provided, single submitter. Criteria: ACMG Guidelines, 2015. Collection method: clinical testing. Allele origin: germline.

Labcorp Genetics (formerly Invitae), Labcorp
Classification: Uncertain significance for Retinitis pigmentosa 71; Short-rib thoracic dysplasia 10 with or without polydactyly. Last evaluated: 2022-10-13. Review status: criteria provided, single submitter. Criteria: Invitae Variant Classification Sherloc (09022015). Collection method: clinical testing. Allele origin: germline.
Comment: This sequence change replaces glutamic acid, which is acidic and polar, with lysine, which is basic and polar, at codon 1383 of the IFT172 protein (p.Glu1383Lys). This variant is present in population databases (rs147668131, gnomAD 0.09%). This variant has not been reported in the literature in individuals affected with IFT172-related conditions. ClinVar contains an entry for this variant (Variation ID: 542658). Advanced modeling of protein sequence and biophysical properties (such as structural, functional, and spatial information, amino acid conservation, physicochemical variation, residue mobility, and thermodynamic stability) performed at Invitae indicates that this missense variant is expected to disrupt IFT172 protein function. In summary, the available evidence is currently insufficient to determine the role of this variant in disease. Therefore, it has been classified as a Variant of Uncertain Significance.

PreventionGenetics, part of Exact Sciences
Classification: Likely benign for IFT172-related condition. Last evaluated: 2021-03-30. Review status: no assertion criteria provided. Collection method: clinical testing. Allele origin: germline. Not counted in ClinVar's aggregate classification.
Comment: This variant is classified as likely benign based on ACMG/AMP sequence variant interpretation guidelines (Richards et al. 2015 PMID: 25741868, with internal and published modifications).